The following is an entry in ClinVar:

ClinVar aggregate classification (germline): Likely pathogenic (1 of 4 stars; one submission).

Submission:

Labcorp Genetics (formerly Invitae), Labcorp
Classification: Likely pathogenic. Last evaluated: 2023-04-15. Review status: criteria provided, single submitter. Criteria: Invitae Variant Classification Sherloc (09022015). Collection method: clinical testing. Allele origin: germline.
Comment: This sequence change affects a donor splice site in intron 29 of the CACNA1F gene. It is expected to disrupt RNA splicing. Variants that disrupt the donor or acceptor splice site typically lead to a loss of protein function (PMID: 16199547), and loss-of-function variants in CACNA1F are known to be pathogenic (PMID: 9662399, 11281458, 17525176, 22194652, 24124559, 26992781). Algorithms developed to predict the effect of sequence changes on RNA splicing suggest that this variant may disrupt the consensus splice site. This variant is not present in population databases (gnomAD no frequency). This variant has not been reported in the literature in individuals affected with CACNA1F-related conditions. In summary, the currently available evidence indicates that the variant is pathogenic, but additional data are needed to prove that conclusively. Therefore, this variant has been classified as Likely Pathogenic.

Literature cited by the submitters: PubMed 16199547; PubMed 9662399; PubMed 11281458; PubMed 17525176; PubMed 22194652; PubMed 24124559; PubMed 26992781.

NM_001256789.3(CACNA1F):c.3597+2T>C

Gene: CACNA1F (calcium voltage-gated channel subunit alpha1 F; minus strand). Cytogenetic location: Xp11.23.
Variant type: single nucleotide variant.
Coding change: c.3597+2T>C on transcript NM_001256789.3 (MANE Select); the canonical splice donor site of the intron after coding-DNA position 3597, T replaced by C.
Molecular consequence: splice donor variant.
Genome position (GRCh38, 1-based): chrX:49,215,084, A>G on the plus strand (T>C on the coding strand, the complement: CACNA1F is on the minus strand). VCF-style: chrX-49215084-A-G. GRCh37 (hg19) VCF-style: chrX-49071544-A-G.
Other names: c.3630+2T>C (NM_005183.4); c.3435+2T>C (NM_001256790.3).
Identifiers: ClinVar variation 2856672 (VCV002856672.3), dbSNP rs2520865466, ClinGen allele CA412963009.